The following is an entry in ClinVar:

NM_000092.5(COL4A4):c.3172C>A (p.Pro1058Thr)

Gene: COL4A4 (collagen type IV alpha 4 chain; minus strand). Cytogenetic location: 2q36.3.
Variant type: single nucleotide variant.
Coding change: c.3172C>A on transcript NM_000092.5 (MANE Select); coding-DNA position 3172, C replaced by A.
Protein change: p.Pro1058Thr; replaces proline 1058 with threonine.
Molecular consequence: missense variant.
Genome position (GRCh38, 1-based): chr2:227,050,110, G>T on the plus strand (C>A on the coding strand, the complement: COL4A4 is on the minus strand). VCF-style: chr2-227050110-G-T. GRCh37 (hg19) VCF-style: chr2-227914826-G-T.
Other names: short protein forms P1058T.
Identifiers: ClinVar variation 3372410 (VCV003372410.2).

ClinVar aggregate classification (germline): Uncertain significance. Review status: criteria provided, multiple submitters, no conflicts (2 of 4 stars). 2 submissions from 2 submitters: Uncertain significance (2). Last evaluated 2025-01-15.

Conditions:
Autosomal recessive Alport syndrome (ATS2). Also called: COL4A3-Related Nephropathy; COL4A4 Alport Syndrome and Thin Basement Membrane Nephropathy; ALPORT SYNDROME 2, AUTOSOMAL RECESSIVE; Alport syndrome type 2. Identifiers: Orphanet 63, Orphanet 88919, MedGen C4746745, MONDO:0008762, OMIM 203780.
Hematuria, benign familial, 1 (BFH1). Also called: THIN MEMBRANE NEPHROPATHY. Identifiers: MedGen CN376803, MONDO:0007709, OMIM 141200.

gnomAD v4.1: 9 of 1,614,106 alleles (0.00056%); highest among the groups gnomAD compares: Non-Finnish European, 0.00068%; no homozygotes.

Submissions (2):

GeneDx
Classification: Uncertain significance. Last evaluated: 2025-01-15. Review status: criteria provided, single submitter. Criteria: GeneDx Variant Classification Process June 2021. Collection method: clinical testing. Allele origin: germline. Affected: yes.
Comment: Not observed at significant frequency in large population cohorts (gnomAD); In silico analysis indicates that this missense variant does not alter protein structure/function; Has not been previously published as pathogenic or benign to our knowledge; Occurs in the triple helical domain at the Y position in the canonical Gly-X-Y repeat; although this variant may have an effect on normal protein folding and function, missense substitution at the Y position is not a common mechanism of disease

Fulgent Genetics
Classification: Uncertain significance for Hematuria, benign familial, 1; Autosomal recessive Alport syndrome. Last evaluated: 2024-05-23. Review status: criteria provided, single submitter. Criteria: ACMG Guidelines, 2015. Collection method: clinical testing. Allele origin: germline.